The following is an entry in ClinVar:

ClinVar aggregate classification (germline): Uncertain significance (1 of 4 stars; one submission).

Conditions:
Myopathy, proximal, and ophthalmoplegia (CMYO6). Also called: INCLUSION BODY MYOPATHY 3, AUTOSOMAL DOMINANT; MYOPATHY WITH CONGENITAL JOINT CONTRACTURES, OPHTHALMOPLEGIA, AND RIMMED VACUOLES; CONGENITAL MYOPATHY 6 WITH OPHTHALMOPLEGIA. Identifiers: Orphanet 363677, Orphanet 79091, MedGen C1854106, MONDO:0011577, OMIM 605637.

Allele frequency attached by ClinVar (database versions not stated): gnomAD 0.00002 and 0.00003; gnomAD exomes 0.00004 and 0.00006; ExAC 0.00006; TOPMed 0.00006.

Submission:

Labcorp Genetics (formerly Invitae), Labcorp
Classification: Uncertain significance for Myopathy, proximal, and ophthalmoplegia. Last evaluated: 2025-10-18. Review status: criteria provided, single submitter. Criteria: Invitae Variant Classification Sherloc (09022015). Collection method: clinical testing. Allele origin: germline.
Comment: This sequence change replaces arginine, which is basic and polar, with histidine, which is basic and polar, at codon 1181 of the MYH2 protein (p.Arg1181His). This variant is present in population databases (rs773196254, gnomAD 0.01%). This variant has not been reported in the literature in individuals affected with MYH2-related conditions. ClinVar contains an entry for this variant (Variation ID: 1345355). Invitae Evidence Modeling of protein sequence and biophysical properties (such as structural, functional, and spatial information, amino acid conservation, physicochemical variation, residue mobility, and thermodynamic stability) indicates that this missense variant is expected to disrupt MYH2 protein function with a positive predictive value of 80%. In summary, the available evidence is currently insufficient to determine the role of this variant in disease. Therefore, it has been classified as a Variant of Uncertain Significance.

NM_017534.6(MYH2):c.3542G>A (p.Arg1181His)

Genes: MYHAS (myosin heavy chain gene cluster antisense RNA; plus strand), MYH2 (myosin heavy chain 2; minus strand). Cytogenetic location: 17p13.1.
Variant type: single nucleotide variant.
Coding change: c.3542G>A on transcript NM_017534.6 (MANE Select); coding-DNA position 3542, G replaced by A.
Protein change: p.Arg1181His; replaces arginine 1181 with histidine.
Molecular consequence: missense variant.
Genome position (GRCh38, 1-based): chr17:10,528,892, C>T on the plus strand (G>A on the coding strand, the complement: MYH2 is on the minus strand). VCF-style: chr17-10528892-C-T. GRCh37 (hg19) VCF-style: chr17-10432209-C-T.
Other names: c.3542G>A, p.Arg1181His (NM_001100112.2); short protein forms R1181H.
Identifiers: ClinVar variation 1345355 (VCV001345355.6), dbSNP rs773196254, ClinGen allele CA8390869.